The following is an entry in ClinVar:

ClinVar aggregate classification (germline): Uncertain significance (1 of 4 stars; one submission).

Conditions:
Cardiomyopathy (CMYO). Also called: Cardiomyopathies. Identifiers: Orphanet 167848, MedGen C0878544, MONDO:0004994, HP:0001638. Inheritance: Various modes of inheritance.

gnomAD v4.1: 1 of 1,613,882 alleles (0.000062%); highest among the groups gnomAD compares: Non-Finnish European, 0.000085%; no homozygotes.

Submission:

Color Diagnostics, LLC DBA Color Health
Classification: Uncertain significance for Cardiomyopathy. Last evaluated: 2025-06-30. Review status: criteria provided, single submitter. Criteria: ACMG Guidelines, 2015. Collection method: clinical testing. Allele origin: germline.
Comment: This missense variant replaces leucine with valine at codon 2527 of the RYR2 protein. Computational prediction is inconclusive regarding the impact of this variant on protein structure and function. To our knowledge, functional studies have not been reported for this variant. This variant has not been reported in individuals affected with RYR2-related disorders in the literature. This variant has not been identified in the general population by the Genome Aggregation Database (gnomAD). The available evidence is insufficient to determine the role of this variant in disease conclusively. Therefore, this variant is classified as a Variant of Uncertain Significance.

NM_001035.3(RYR2):c.7579T>G (p.Leu2527Val)

Gene: RYR2 (ryanodine receptor 2; plus strand). Cytogenetic location: 1q43.
Variant type: single nucleotide variant.
Coding change: c.7579T>G on transcript NM_001035.3 (MANE Select); coding-DNA position 7579, T replaced by G.
Protein change: p.Leu2527Val; replaces leucine 2527 with valine.
Molecular consequence: missense variant.
Genome position (GRCh38, 1-based): chr1:237,649,943, T>G. VCF-style: chr1-237649943-T-G. GRCh37 (hg19) VCF-style: chr1-237813243-T-G.
Other names: short protein forms L2527V.
Identifiers: ClinVar variation 4757581 (VCV004757581.1).
Genomic context (GRCh38, chr1:237,649,943, plus strand): 5'-TTGAGTGCTACAGACATGGCCTTGGCCCTCAATCGGTACCTTTGCACAGCCGTCTTGCCA[T>G]TGTTAACAAGATGTGCTCCTCTCTTTGCTGGCACAGAGCACCACGCTTCTCTCATTGACT-3'
Protein context (NP_001026.2, residues 2517-2537): NRYLCTAVLP[Leu2527Val]LTRCAPLFAG